The following is an entry in ClinVar:

NM_000038.6(APC):c.423-1G>C

Gene: APC (APC regulator of Wnt signaling pathway; plus strand). Cytogenetic location: 5q22.2.
Variant type: single nucleotide variant.
Coding change: c.423-1G>C on transcript NM_000038.6 (MANE Select); the canonical splice acceptor site of the intron before coding-DNA position 423, G replaced by C.
Molecular consequence: splice acceptor variant.
Genome position (GRCh38, 1-based): chr5:112,775,628, G>C. VCF-style: chr5-112775628-G-C. GRCh37 (hg19) VCF-style: chr5-112111325-G-C.
Other names: c.-613-1G>C (NM_001407470.1, NM_001407472.1, NM_001354906.2 and 1 more transcripts); c.423-1G>C (NM_001407447.1, NM_001354895.2, NM_001407456.1 and 16 more transcripts); c.453-1G>C (NM_001407446.1, NM_001354897.2, NM_001354902.2 and 1 more transcripts); c.246-1G>C (NM_001407453.1, NM_001354900.2, NM_001354901.2 and 1 more transcripts); c.348-1G>C (NM_001407451.1, NM_001354898.2, NM_001354904.2).
Identifiers: ClinVar variation 181833 (VCV000181833.17), dbSNP rs397514031, ClinGen allele CA009194.

ClinVar aggregate classification (germline): Pathogenic. Review status: criteria provided, multiple submitters, no conflicts (2 of 4 stars). 4 submissions from 4 submitters: Pathogenic (3). 1 of the submissions does not count toward it. Last evaluated 2025-09-16.

Conditions:
Hereditary cancer-predisposing syndrome. Also called: Tumor predisposition; Hereditary Cancer Syndrome; Hereditary neoplastic syndrome; Neoplastic Syndromes, Hereditary. Identifiers: Orphanet 140162, MedGen C0027672, MeSH D009386, MONDO:0015356.
Familial adenomatous polyposis 1 (FAP1). Also called: FAMILIAL ADENOMATOUS POLYPOSIS 1, ATTENUATED; POLYPOSIS, ADENOMATOUS INTESTINAL. Identifiers: MedGen C2713442, MONDO:0021056, OMIM 175100. Disease mechanism: loss of function.

Submissions (4):

Labcorp Genetics (formerly Invitae), Labcorp
Classification: Pathogenic for Familial adenomatous polyposis 1. Last evaluated: 2025-09-16. Review status: criteria provided, single submitter. Criteria: Invitae Variant Classification Sherloc (09022015). Collection method: clinical testing. Allele origin: germline.
Comment: This sequence change affects an acceptor splice site in intron 4 of the APC gene. RNA analysis indicates that disruption of this splice site induces altered splicing and may result in an absent or altered protein product. This variant is not present in population databases (gnomAD no frequency). Disruption of this splice site has been observed in individuals with familial adenomatous polyposis (PMID: 11748858, 15459959). This variant is also known as IVS3-1G>C. ClinVar contains an entry for this variant (Variation ID: 181833). Studies have shown that disruption of this splice site results in skipping of exon 5, and produces a non-functional protein and/or introduces a premature termination codon (PMID: 15459959; internal data). For these reasons, this variant has been classified as Pathogenic.

Myriad Genetics, Inc.
Classification: Pathogenic for Familial adenomatous polyposis 1. Last evaluated: 2023-05-03. Review status: criteria provided, single submitter. Criteria: Myriad Autosomal Dominant, Autosomal Recessive and X-Linked Classification Criteria (2023). Collection method: clinical testing. Allele origin: unknown.
Comment: This variant is considered pathogenic. This variant occurs within a consensus splice junction and is predicted to result in abnormal mRNA splicing of either an out-of-frame exon or an in-frame exon necessary for protein stability and/or normal function. mRNA analysis has demonstrated abnormal mRNA splicing occurs [PMID: 15459959].

Ambry Genetics
Classification: Pathogenic for Hereditary cancer-predisposing syndrome. Last evaluated: 2022-06-23. Review status: criteria provided, single submitter. Criteria: Ambry Variant Classification Scheme 2023. Collection method: clinical testing. Allele origin: germline.
Comment: The c.423-1G>C intronic pathogenic mutation results from a G to C substitution one nucleotide upstream from coding exon 4 of the APC gene. This alteration has been observed in multiple individuals with a personal and/or family history that is consistent with APC-related disease (Ambry internal data; Hutter P et al. Hum. Mutat., 2001 Dec;18:550). RNA studies have demonstrated that this alteration results in abnormal splicing in the set of samples tested (Ambry internal data). This nucleotide position is highly conserved in available vertebrate species. In silico splice site analysis predicts that this alteration will weaken the native splice acceptor site. This variant is considered to be rare based on population cohorts in the Genome Aggregation Database (gnomAD). Alterations that disrupt the canonical splice site are expected to cause aberrant splicing, resulting in an abnormal protein or a transcript that is subject to nonsense-mediated mRNA decay. Based on the supporting evidence, this alteration is interpreted as a disease-causing mutation.

Mayo Clinic Laboratories, Mayo Clinic
Classification: Pathogenic. Review status: no assertion criteria provided. Collection method: research. Allele origin: unknown. Observed: 1 variant allele. Not counted in ClinVar's aggregate classification.

Literature cited by the submitters: PubMed 11748858 (cited by Labcorp Genetics (formerly Invitae), Labcorp and Ambry Genetics); PubMed 15459959 (cited by Labcorp Genetics (formerly Invitae), Labcorp and Myriad Genetics, Inc.); PubMed 17665205 (cited by Ambry Genetics); PubMed 19029688 (cited by Ambry Genetics).